The following is an entry in ClinVar:

ClinVar aggregate classification (germline): Uncertain significance. Review status: criteria provided, multiple submitters, no conflicts (2 of 4 stars). 2 submissions from 2 submitters: Uncertain significance (2). Last evaluated 2024-09-03.

Conditions:
Hereditary cancer-predisposing syndrome. Also called: Neoplastic Syndromes, Hereditary; Hereditary Cancer Syndrome; Hereditary neoplastic syndrome; Tumor predisposition. Identifiers: Orphanet 140162, MedGen C0027672, MeSH D009386, MONDO:0015356.
Familial cancer of breast. Also called: BREAST CANCER, FAMILIAL; Hereditary breast cancer; hereditary breast carcinoma. Identifiers: Orphanet 227535, MedGen C0346153, MONDO:0016419, OMIM 114480. Disease mechanism: loss of function.

Allele frequency attached by ClinVar (database versions not stated): gnomAD exomes below 0.00001.

Submissions (2):

Ambry Genetics
Classification: Uncertain significance for Hereditary cancer-predisposing syndrome. Last evaluated: 2024-09-03. Review status: criteria provided, single submitter. Criteria: Ambry Variant Classification Scheme 2023. Collection method: clinical testing. Allele origin: germline.
Comment: The p.K1080R variant (also known as c.3239A>G), located in coding exon 12 of the PALB2 gene, results from an A to G substitution at nucleotide position 3239. The lysine at codon 1080 is replaced by arginine, an amino acid with highly similar properties. This variant was reported in 1/370 Pakistani individuals with early onset or familial breast/ovarian cancer and was absent in 372 controls (Rashid MU et al. Cancer Res Treat, 2019 Jul;51:992-1000). This amino acid position is well conserved in available vertebrate species. In addition, this alteration is predicted to be tolerated by in silico analysis. Based on the available evidence, the clinical significance of this variant remains unclear.

Labcorp Genetics (formerly Invitae), Labcorp
Classification: Uncertain significance for Familial cancer of breast. Last evaluated: 2017-02-15. Review status: criteria provided, single submitter. Criteria: Invitae Variant Classification Sherloc (09022015). Collection method: clinical testing. Allele origin: germline.
Comment: Algorithms developed to predict the effect of sequence changes on RNA splicing suggest that this variant may alter RNA splicing, but this prediction has not been confirmed by published transcriptional studies. In summary, this variant is a novel missense change with uncertain impact on protein function. It has been classified as a Variant of Uncertain Significance. Algorithms developed to predict the effect of missense changes on protein structure and function do not agree on the potential impact of this missense change (SIFT: "Tolerated"; PolyPhen-2: "Possibly Damaging"; Align-GVGD: "Class C0"). This variant is not present in population databases (ExAC no frequency) and has not been reported in the literature in individuals with a PALB2-related disease. This sequence change replaces lysine with arginine at codon 1080 of the PALB2 protein (p.Lys1080Arg). The lysine residue is moderately conserved and there is a small physicochemical difference between lysine and arginine.

Literature cited by the submitters: PubMed 30309218 (cited by Ambry Genetics).

NM_024675.4(PALB2):c.3239A>G (p.Lys1080Arg)

Gene: PALB2 (partner and localizer of BRCA2; minus strand). Cytogenetic location: 16p12.2.
Variant type: single nucleotide variant.
Coding change: c.3239A>G on transcript NM_024675.4 (MANE Select); coding-DNA position 3239, A replaced by G.
Protein change: p.Lys1080Arg; replaces lysine 1080 with arginine.
Molecular consequence: missense variant.
Genome position (GRCh38, 1-based): chr16:23,607,975, T>C on the plus strand (A>G on the coding strand, the complement: PALB2 is on the minus strand). VCF-style: chr16-23607975-T-C. GRCh37 (hg19) VCF-style: chr16-23619296-T-C.
Other names: short protein forms K1080R.
Identifiers: ClinVar variation 460985 (VCV000460985.10), dbSNP rs1441163505, ClinGen allele CA395139940.
Genomic context (GRCh38, chr16:23,607,975, plus strand): 5'-GTCGTCTTAGGGTTAATCACAATGAGCTGAAACACAGGGCTTCGCAACGACTCACTCTCT[T>C]TGGCACAGGGATGACTCAGGACAATAAAGAGAAGCCCCTAATTTCGGAGAAAAATAAATA-3'
Protein context (NP_078951.2, residues 1070-1090): LFIVLSHPCA[Lys1080Arg]ESESLRSPVF